The following is an entry in ClinVar:

NM_020937.4(FANCM):c.5176C>G (p.Pro1726Ala)

Gene: FANCM (FA complementation group M; plus strand). Cytogenetic location: 14q21.2.
Variant type: single nucleotide variant.
Coding change: c.5176C>G on transcript NM_020937.4 (MANE Select); coding-DNA position 5176, C replaced by G.
Protein change: p.Pro1726Ala; replaces proline 1726 with alanine.
Molecular consequence: missense variant.
Genome position (GRCh38, 1-based): chr14:45,189,198, C>G. VCF-style: chr14-45189198-C-G. GRCh37 (hg19) VCF-style: chr14-45658401-C-G.
Other names: c.5098C>G, p.Pro1700Ala (NM_001308133.2); short protein forms P1726A, P1700A.
Identifiers: ClinVar variation 4022799 (VCV004022799.1).

ClinVar aggregate classification (germline): Uncertain significance (1 of 4 stars; one submission).

Conditions:
Inborn genetic diseases. Identifiers: MedGen C0950123, MeSH D030342.

gnomAD v4.1: 3 of 1,614,130 alleles (0.00019%); highest among the groups gnomAD compares: Non-Finnish European, 0.00017%; no homozygotes.

Submission:

Ambry Genetics
Classification: Uncertain significance for Inborn genetic diseases. Last evaluated: 2025-05-19. Review status: criteria provided, single submitter. Criteria: Ambry Variant Classification Scheme 2023. Collection method: clinical testing. Allele origin: germline.
Comment: The p.P1726A variant (also known as c.5176C>G), located in coding exon 20 of the FANCM gene, results from a C to G substitution at nucleotide position 5176. The proline at codon 1726 is replaced by alanine, an amino acid with highly similar properties. This amino acid position is conserved. In addition, this alteration is predicted to be tolerated by in silico analysis. Based on the available evidence, the clinical significance of this variant remains unclear.